The following is an entry in ClinVar:

ClinVar aggregate classification (germline): Likely benign. Review status: criteria provided, multiple submitters, no conflicts (2 of 4 stars). 2 submissions from 2 submitters: Likely benign (2). Last evaluated 2023-03-07.

Allele frequency attached by ClinVar (database versions not stated): gnomAD exomes below 0.00001 and 0.00002; TOPMed 0.00001; ExAC 0.00013.
gnomAD v4.1: 2 of 1,501,840 alleles (0.00013%); highest among the groups gnomAD compares: Admixed American, 0.0042%; no homozygotes.

Submissions (2):

Labcorp Genetics (formerly Invitae), Labcorp
Classification: Likely benign. Last evaluated: 2023-03-07. Review status: criteria provided, single submitter. Criteria: Invitae Variant Classification Sherloc (09022015). Collection method: clinical testing. Allele origin: germline.

GeneDx
Classification: Likely benign. Last evaluated: 2017-06-05. Review status: criteria provided, single submitter. Criteria: GeneDx Variant Classification (06012015). Collection method: clinical testing. Allele origin: germline. Affected: yes.
Comment: This variant is considered likely benign or benign based on one or more of the following criteria: it is a conservative change, it occurs at a poorly conserved position in the protein, it is predicted to be benign by multiple in silico algorithms, and/or has population frequency not consistent with disease.

NM_003383.5(VLDLR):c.18C>T (p.Leu6=)

Genes: VLDLR (very low density lipoprotein receptor; plus strand), VLDLR-AS1 (VLDLR antisense RNA 1; minus strand), LOC130001468 (ATAC-STARR-seq lymphoblastoid silent region 19733; plus strand). Cytogenetic location: 9p24.2.
Variant type: single nucleotide variant.
Coding change: c.18C>T on transcript NM_003383.5 (MANE Select); coding-DNA position 18, C replaced by T.
Protein change: p.Leu6=; no amino-acid change (leucine 6 retained).
Molecular consequence: synonymous variant. On other transcripts: non-coding transcript variant (1).
Genome position (GRCh38, 1-based): chr9:2,622,207, C>T. VCF-style: chr9-2622207-C-T. GRCh37 (hg19) VCF-style: chr9-2622207-C-T.
Other names: c.18C>T, p.Leu6= (NM_001018056.3, NM_001322225.2, NM_001322226.2).
Identifiers: ClinVar variation 509895 (VCV000509895.4), dbSNP rs766858740, ClinGen allele CA4964392.